The following is an entry in ClinVar:

ClinVar aggregate classification (germline): Uncertain significance. Review status: criteria provided, multiple submitters, no conflicts (2 of 4 stars). 2 submissions from 2 submitters: Uncertain significance (2). Last evaluated 2025-12-22.

Conditions:
Gastrointestinal stromal tumor. Also called: Gastrointestinal stromal tumor, somatic; Gastrointestinal stroma tumor. Identifiers: Orphanet 44890, MedGen C0238198, MeSH D046152, MONDO:0011719, OMIM 606764, HP:0100723.
Hereditary cancer-predisposing syndrome. Also called: Neoplastic Syndromes, Hereditary; Tumor predisposition; Hereditary Cancer Syndrome; Hereditary neoplastic syndrome. Identifiers: Orphanet 140162, MedGen C0027672, MeSH D009386, MONDO:0015356.

Submissions (2):

Labcorp Genetics (formerly Invitae), Labcorp
Classification: Uncertain significance for Gastrointestinal stromal tumor. Last evaluated: 2025-12-22. Review status: criteria provided, single submitter. Criteria: Invitae Variant Classification Sherloc (09022015). Collection method: clinical testing. Allele origin: germline.
Comment: This sequence change replaces histidine, which is basic and polar, with arginine, which is basic and polar, at codon 180 of the KIT protein (p.His180Arg). This variant is not present in population databases (gnomAD no frequency). This variant has not been reported in the literature in individuals affected with KIT-related conditions. ClinVar contains an entry for this variant (Variation ID: 3534698). An algorithm developed to predict the effect of missense changes on protein structure and function (PolyPhen-2) suggests that this variant is likely to be tolerated. In summary, the available evidence is currently insufficient to determine the role of this variant in disease. Therefore, it has been classified as a Variant of Uncertain Significance.

Ambry Genetics
Classification: Uncertain significance for Hereditary cancer-predisposing syndrome. Last evaluated: 2024-07-16. Review status: criteria provided, single submitter. Criteria: Ambry Variant Classification Scheme 2023. Collection method: clinical testing. Allele origin: germline.
Comment: The p.H180R variant (also known as c.539A>G), located in coding exon 3 of the KIT gene, results from an A to G substitution at nucleotide position 539. The histidine at codon 180 is replaced by arginine, an amino acid with highly similar properties. This amino acid position is conserved. In addition, this alteration is predicted to be tolerated by in silico analysis. Based on the available evidence, the clinical significance of this variant remains unclear.

NM_000222.3(KIT):c.539A>G (p.His180Arg)

Gene: KIT (KIT proto-oncogene, receptor tyrosine kinase; plus strand). Cytogenetic location: 4q12.
Variant type: single nucleotide variant.
Coding change: c.539A>G on transcript NM_000222.3 (MANE Select); coding-DNA position 539, A replaced by G.
Protein change: p.His180Arg; replaces histidine 180 with arginine.
Molecular consequence: missense variant.
Genome position (GRCh38, 1-based): chr4:54,698,485, A>G. VCF-style: chr4-54698485-A-G. GRCh37 (hg19) VCF-style: chr4-55564651-A-G.
Other names: c.539A>G, p.His180Arg (NM_001093772.2, NM_001385284.1, NM_001385285.1 and 4 more transcripts); short protein forms H180R.
Identifiers: ClinVar variation 3534698 (VCV003534698.2).